The following is an entry in ClinVar:

ClinVar aggregate classification (germline): Uncertain significance (1 of 4 stars; one submission).

Submission:

GeneDx
Classification: Uncertain significance. Last evaluated: 2024-06-07. Review status: criteria provided, single submitter. Criteria: GeneDx Variant Classification Process June 2021. Collection method: clinical testing. Allele origin: germline. Affected: yes.
Comment: Not observed at significant frequency in large population cohorts (gnomAD); In silico analysis supports that this missense variant has a deleterious effect on protein structure/function; Has not been previously published as pathogenic or benign to our knowledge

NM_002911.4(UPF1):c.2650C>T (p.Leu884Phe)

Gene: UPF1 (UPF1 RNA helicase and ATPase; plus strand). Cytogenetic location: 19p13.11.
Variant type: single nucleotide variant.
Coding change: c.2650C>T on transcript NM_002911.4 (MANE Select); coding-DNA position 2650, C replaced by T.
Protein change: p.Leu884Phe; replaces leucine 884 with phenylalanine.
Molecular consequence: missense variant.
Genome position (GRCh38, 1-based): chr19:18,863,487, C>T. VCF-style: chr19-18863487-C-T. GRCh37 (hg19) VCF-style: chr19-18974296-C-T.
Other names: c.2683C>T, p.Leu895Phe (NM_001297549.2); short protein forms L884F, L895F.
Identifiers: ClinVar variation 3384361 (VCV003384361.1).